The following is an entry in ClinVar:

ClinVar aggregate classification (germline): Uncertain significance (1 of 4 stars; one submission).

Conditions:
Charcot-Marie-Tooth disease type 4. Also called: Charcot-Marie-Tooth disease, type IV; Charcot-Marie-Tooth, Type 4. Identifiers: Orphanet 64749, MedGen C4082197, MONDO:0018995.

Submission:

Labcorp Genetics (formerly Invitae), Labcorp
Classification: Uncertain significance for Charcot-Marie-Tooth disease type 4. Last evaluated: 2019-04-04. Review status: criteria provided, single submitter. Criteria: Invitae Variant Classification Sherloc (09022015). Collection method: clinical testing. Allele origin: germline.
Comment: This variant is not present in population databases (ExAC no frequency). In summary, the available evidence is currently insufficient to determine the role of this variant in disease. Therefore, it has been classified as a Variant of Uncertain Significance. Algorithms developed to predict the effect of missense changes on protein structure and function are either unavailable or do not agree on the potential impact of this missense change (SIFT: "Deleterious"; PolyPhen-2: "Probably Damaging"; Align-GVGD: "Class C0"). This variant has not been reported in the literature in individuals with SBF2-related conditions. This sequence change replaces valine with alanine at codon 527 of the SBF2 protein (p.Val527Ala). The valine residue is moderately conserved and there is a small physicochemical difference between valine and alanine.

NM_030962.4(SBF2):c.1580T>C (p.Val527Ala)

Gene: SBF2 (SET binding factor 2; minus strand). Cytogenetic location: 11p15.4.
Variant type: single nucleotide variant.
Coding change: c.1580T>C on transcript NM_030962.4 (MANE Select); coding-DNA position 1580, T replaced by C.
Protein change: p.Val527Ala; replaces valine 527 with alanine.
Molecular consequence: missense variant.
Genome position (GRCh38, 1-based): chr11:9,968,361, A>G on the plus strand (T>C on the coding strand, the complement: SBF2 is on the minus strand). VCF-style: chr11-9968361-A-G. GRCh37 (hg19) VCF-style: chr11-9989908-A-G.
Other names: c.1580T>C, p.Val527Ala (NM_001386339.1); c.1451T>C, p.Val484Ala (NM_001386342.1); short protein forms V527A, V484A.
Identifiers: ClinVar variation 854091 (VCV000854091.8), dbSNP rs1867103004, ClinGen allele CA379645141.